The following is an entry in ClinVar:

NM_001122769.3(LCA5):c.721-2A>T

Gene: LCA5 (lebercilin LCA5; minus strand). Cytogenetic location: 6q14.1.
Variant type: single nucleotide variant.
Coding change: c.721-2A>T on transcript NM_001122769.3 (MANE Select); the canonical splice acceptor site of the intron before coding-DNA position 721, A replaced by T.
Molecular consequence: splice acceptor variant.
Genome position (GRCh38, 1-based): chr6:79,493,752, T>A on the plus strand (A>T on the coding strand, the complement: LCA5 is on the minus strand). VCF-style: chr6-79493752-T-A. GRCh37 (hg19) VCF-style: chr6-80203469-T-A.
Other names: c.721-2A>T (NM_181714.3, NM_181714.4).
Identifiers: ClinVar variation 3241826 (VCV003241826.3), dbSNP rs1769905934.

ClinVar aggregate classification (germline): Pathogenic/Likely pathogenic. Review status: criteria provided, multiple submitters, no conflicts (2 of 4 stars). 3 submissions from 3 submitters: Pathogenic (1); Likely pathogenic (2). Last evaluated 2024-11-04.

Conditions:
LCA5-related disorder. Also called: LCA5-related condition.
Leber congenital amaurosis 5 (LCA5). Also called: Amaurosis congenita of Leber, type 5. Identifiers: Orphanet 65, MedGen C1858301, MONDO:0011473, OMIM 604537.

Allele frequency attached by ClinVar (database versions not stated): gnomAD 0.00001; TOPMed 0.00001.
gnomAD v4.1: 1 of 1,608,760 alleles (0.000062%); highest among the groups gnomAD compares: African/African-American, 0.0013%; no homozygotes.

Submissions (3):

Natera, Inc.
Classification: Likely pathogenic for Leber congenital amaurosis type 5. Last evaluated: 2024-11-04. Review status: criteria provided, single submitter. Criteria: Natera Variant Classification Schema (03/2026). Collection method: clinical testing. Allele origin: germline.
Comment: The c.721-2A>T variant in LCA5 is a canonical splice acceptor site variant predicted to affect pre-mRNA splicing, which may result in an abnormal transcript and altered protein product. This variant may result in a truncated or dysfunctional protein product. This variant is rare in the general population with a frequency below the threshold expected for the associated phenotype(s). Another variant at this same site results in an alteration predicted to cause a similar molecular effect has been observed in individual(s) with the associated phenotype. Given the available evidence, this variant is classified as Likely Pathogenic.

Baylor Genetics
Classification: Likely pathogenic for Leber congenital amaurosis 5. Last evaluated: 2023-12-04. Review status: criteria provided, single submitter. Criteria: ACMG Guidelines, 2015. Collection method: clinical testing. Allele origin: unknown.

Blueprint Genetics
Classification: Pathogenic for LCA5-related disorders. Last evaluated: 2022-09-16. Review status: criteria provided, single submitter. Criteria: ACMG Guidelines, 2015. Collection method: clinical testing. Allele origin: germline. Affected: yes. Observed: 2 variant alleles.